The following is an entry in ClinVar:

ClinVar aggregate classification (germline): Conflicting classifications of pathogenicity. Review status: criteria provided, conflicting classifications (1 of 4 stars). 4 submissions from 4 submitters: Uncertain significance (3); Likely benign (1). Last evaluated 2026-01-24.

Conditions:
Inborn genetic diseases. Identifiers: MedGen C0950123, MeSH D030342.

Allele frequency attached by ClinVar (database versions not stated): gnomAD 0.00003; ESP Exome Variant Server 0.00008; gnomAD exomes 0.00001 and below 0.00001; ExAC 0.00001; TOPMed 0.00005.

Submissions (4):

GeneDx
Classification: Uncertain significance. Last evaluated: 2026-01-24. Review status: criteria provided, single submitter. Criteria: GeneDx Variant Classification Process June 2021. Collection method: clinical testing. Allele origin: germline.
Comment: Not observed at significant frequency in large population cohorts (gnomAD); In silico analysis suggests that this missense variant does not alter protein structure/function; Has not been previously published as pathogenic or benign to our knowledge

Ambry Genetics
Classification: Likely benign for Inborn genetic diseases. Last evaluated: 2025-12-04. Review status: criteria provided, single submitter. Criteria: Ambry Variant Classification Scheme 2023. Collection method: clinical testing. Allele origin: germline.

Dasa
Classification: Uncertain significance. Last evaluated: 2025-04-16. Review status: criteria provided, single submitter. Criteria: DASA Assertion Criteria. Collection method: clinical testing. Allele origin: germline.
Comment: NM_001365999.1(SZT2):c.5372A>G (p.His1791Arg) is a missense variant that results in the substitution of histidine with arginine. This variant is rare in population databases. Computational prediction algorithms are consistent with a benign effect. The currently available literature and clinical evidence are not sufficient to establish a definitive association between this variant and the reported condition. Therefore, this variant is classified as a variant of uncertain significance.

Labcorp Genetics (formerly Invitae), Labcorp
Classification: Uncertain significance. Last evaluated: 2020-10-26. Review status: criteria provided, single submitter. Criteria: Invitae Variant Classification Sherloc (09022015). Collection method: clinical testing. Allele origin: germline.
Comment: This variant is present in population databases (rs146030837, ExAC 0.009%). This sequence change replaces histidine with arginine at codon 1734 of the SZT2 protein (p.His1734Arg). The histidine residue is highly conserved and there is a small physicochemical difference between histidine and arginine. This variant has not been reported in the literature in individuals with SZT2-related conditions. In summary, the available evidence is currently insufficient to determine the role of this variant in disease. Therefore, it has been classified as a Variant of Uncertain Significance. Algorithms developed to predict the effect of missense changes on protein structure and function output the following: SIFT: "Deleterious"; PolyPhen-2: "Benign"; Align-GVGD: "Class C0". The arginine amino acid residue is found in multiple mammalian species, suggesting that this missense change does not adversely affect protein function. These predictions have not been confirmed by published functional studies and their clinical significance is uncertain.

NM_001365999.1(SZT2):c.5372A>G (p.His1791Arg)

Gene: SZT2 (SZT2 subunit of KICSTOR complex; plus strand). Cytogenetic location: 1p34.2.
Variant type: single nucleotide variant.
Coding change: c.5372A>G on transcript NM_001365999.1 (MANE Select); coding-DNA position 5372, A replaced by G.
Protein change: p.His1791Arg; replaces histidine 1791 with arginine.
Molecular consequence: missense variant.
Genome position (GRCh38, 1-based): chr1:43,432,369, A>G. VCF-style: chr1-43432369-A-G. GRCh37 (hg19) VCF-style: chr1-43898040-A-G.
Other names: c.5201A>G, p.His1734Arg (NM_015284.4); short protein forms H1734R, H1791R.
Identifiers: ClinVar variation 944627 (VCV000944627.12), dbSNP rs146030837, ClinGen allele CA809553.